The following is an entry in ClinVar:

NM_001379291.1(BRD4):c.2217TCA[1] (p.His743del)

Gene: BRD4 (bromodomain containing 4; minus strand). Cytogenetic location: 19p13.12.
Variant type: Microsatellite.
Coding change: c.2217TCA[1] on transcript NM_001379291.1 (MANE Select); one copy of the 3-base unit TCA starting at c.2217; the reference has two copies in a row; one copy, 3 bases deleted.
Protein change: p.His743del; deletes histidine 743.
Molecular consequence: inframe deletion.
Genome position (GRCh38, 1-based): chr19:15,244,590-15,244,592, TGA deleted on the plus strand (TCA on the coding strand, the reverse complement: BRD4 is on the minus strand); deleting any 3 consecutive bases within chr19:15,244,590-15,244,597 gives the same sequence; the position shown is the placement nearest the transcript's 3' end. VCF-style (leftmost placement, unchanged base first): chr19-15244589-GTGA-G. GRCh37 (hg19) VCF-style: chr19-15355400-GTGA-G.
Other names: c.2217TCA[1], p.His743del (NM_058243.3); short protein forms H743del.
Identifiers: ClinVar variation 2027679 (VCV002027679.4), dbSNP rs774637350, ClinGen allele CA9265006.
Genomic context (GRCh38, chr19:15,244,589, plus strand): 5'-GGGAGGCGGGGGCGGCTGCTGGGGCACAGGAGCCGGGGCCTGCTGCATCTGCTGATGGTG[GTGA>G]TGATGGTGCTGCAGACAGAGAGACAGACAGACAGACAGGCTGATGTCAGGCAGGCAGAAC-3'

ClinVar aggregate classification (germline): Uncertain significance (1 of 4 stars; one submission).

Submission:

Labcorp Genetics (formerly Invitae), Labcorp
Classification: Uncertain significance. Last evaluated: 2026-01-05. Review status: criteria provided, single submitter. Criteria: Invitae Variant Classification Sherloc (09022015). Collection method: clinical testing. Allele origin: germline.
Comment: This variant, c.2220_2222del, results in the deletion of 1 amino acid(s) of the BRD4 protein (p.His743del), but otherwise preserves the integrity of the reading frame. The frequency data for this variant in the population databases is considered unreliable, as metrics indicate poor data quality at this position in the gnomAD database. This variant has not been reported in the literature in individuals affected with BRD4-related conditions. Experimental studies and prediction algorithms are not available or were not evaluated, and the functional significance of this variant is currently unknown. In summary, the available evidence is currently insufficient to determine the role of this variant in disease. Therefore, it has been classified as a Variant of Uncertain Significance.